The following is an entry in ClinVar:

NM_000553.6(WRN):c.3323A>C (p.Lys1108Thr)

Gene: WRN (WRN RecQ like helicase; plus strand). Cytogenetic location: 8p12.
Variant type: single nucleotide variant.
Coding change: c.3323A>C on transcript NM_000553.6 (MANE Select); coding-DNA position 3323, A replaced by C.
Protein change: p.Lys1108Thr; replaces lysine 1108 with threonine.
Molecular consequence: missense variant.
Genome position (GRCh38, 1-based): chr8:31,143,563, A>C. VCF-style: chr8-31143563-A-C. GRCh37 (hg19) VCF-style: chr8-31001079-A-C.
Other names: short protein forms K1108T.
Identifiers: ClinVar variation 362812 (VCV000362812.13), dbSNP rs201274303, ClinGen allele CA4705018.

ClinVar aggregate classification (germline): Uncertain significance. Review status: criteria provided, multiple submitters, no conflicts (2 of 4 stars). 3 submissions from 3 submitters: Uncertain significance (3). Last evaluated 2025-07-02.

Conditions:
Inborn genetic diseases. Identifiers: MedGen C0950123, MeSH D030342.
Werner syndrome (WRN). Identifiers: Orphanet 902, MedGen C0043119, MONDO:0010196, OMIM 277700.

Allele frequency attached by ClinVar (database versions not stated): ExAC 0.00001; gnomAD 0.00001; gnomAD exomes 0.00001; TOPMed 0.00001.
gnomAD v4.1: 28 of 1,592,650 alleles (0.0018%); highest among the groups gnomAD compares: Non-Finnish European, 0.0022%; no homozygotes.

Submissions (3):

Ambry Genetics
Classification: Uncertain significance for Inborn genetic diseases. Last evaluated: 2025-07-02. Review status: criteria provided, single submitter. Criteria: Ambry Variant Classification Scheme 2023. Collection method: clinical testing. Allele origin: germline.

Labcorp Genetics (formerly Invitae), Labcorp
Classification: Uncertain significance for Werner syndrome. Last evaluated: 2023-09-29. Review status: criteria provided, single submitter. Criteria: Invitae Variant Classification Sherloc (09022015). Collection method: clinical testing. Allele origin: germline.
Comment: In summary, the available evidence is currently insufficient to determine the role of this variant in disease. Therefore, it has been classified as a Variant of Uncertain Significance. An algorithm developed to predict the effect of missense changes on protein structure and function (PolyPhen-2) suggests that this variant¬†is likely to be tolerated. ClinVar contains an entry for this variant (Variation ID: 362812). This variant has not been reported in the literature in individuals affected with WRN-related conditions. This variant is present in population databases (rs201274303, gnomAD 0.002%). This sequence change replaces lysine, which is basic and polar, with threonine, which is neutral and polar, at codon 1108 of the WRN protein (p.Lys1108Thr).

Illumina Laboratory Services, Illumina
Classification: Uncertain significance for Werner syndrome. Last evaluated: 2018-01-13. Review status: criteria provided, single submitter. Criteria: ICSL Variant Classification Criteria 13 December 2019. Collection method: clinical testing. Allele origin: germline.